The following is an entry in ClinVar:

NM_033388.2(ATG16L2):c.1344G>A (p.Glu448=)

Gene: ATG16L2 (autophagy related 16 like 2; plus strand). Cytogenetic location: 11q13.4.
Variant type: single nucleotide variant.
Coding change: c.1344G>A on transcript NM_033388.2 (MANE Select); coding-DNA position 1344, G replaced by A.
Protein change: p.Glu448=; no amino-acid change (glutamic acid 448 retained).
Molecular consequence: synonymous variant.
Genome position (GRCh38, 1-based): chr11:72,826,801, G>A. VCF-style: chr11-72826801-G-A. GRCh37 (hg19) VCF-style: chr11-72537846-G-A.
Other names: c.1026G>A, p.Glu342= (NM_001318766.2).
Identifiers: ClinVar variation 2642131 (VCV002642131.24), dbSNP rs35740958, ClinGen allele CA6175278.

ClinVar aggregate classification (germline): Likely benign (1 of 4 stars; one submission).

Allele frequency attached by ClinVar (database versions not stated): ExAC 0.00059; gnomAD 0.00080; TOPMed 0.00090; ESP Exome Variant Server 0.00100; gnomAD exomes 0.00106.
gnomAD v4.1: 1,662 of 1,613,922 alleles (0.1%); highest among the groups gnomAD compares: Middle Eastern, 0.15%; 1 homozygote.

Submission:

CeGaT Center for Human Genetics Tuebingen
Classification: Likely benign. Last evaluated: 2023-03-01. Review status: criteria provided, single submitter. Criteria: CeGaT Center For Human Genetics Tuebingen Variant Classification Criteria Version 2. Collection method: clinical testing. Allele origin: germline. Affected: yes. Observed: 1 variant allele.
Comment: ATG16L2: BP4, BP7